The following is an entry in ClinVar:

ClinVar aggregate classification (germline): Likely benign. Review status: criteria provided, single submitter (1 of 4 stars). 3 submissions from 2 submitters: Likely benign (2). 1 of the submissions does not count toward it. Last evaluated 2018-06-01.

Conditions:
TGFBR3-related disorder. Also called: TGFBR3-related condition.
Connective tissue disorder. Also called: Connective tissue disease. Identifiers: MedGen C0009782, MONDO:0003900.
Familial thoracic aortic aneurysm and aortic dissection (TAAD). Also called: Thoracic aortic aneurysms and dissections. Identifiers: Orphanet 91387, MedGen C4707243, MONDO:0019625.

Submissions (3):

Center for Human Genetics, Inc
Classification: Likely benign for Connective tissue disorder. Last evaluated: 2018-06-01. Review status: criteria provided, single submitter. Criteria: ACMG Guidelines, 2015. Collection method: clinical testing. Allele origin: germline. Affected: yes.

Center for Human Genetics, Inc
Classification: Likely benign for Familial thoracic aortic aneurysm and aortic dissection. Last evaluated: 2016-11-01. Review status: criteria provided, single submitter. Criteria: ACMG Guidelines, 2015. Collection method: clinical testing. Allele origin: germline. Affected: yes.

PreventionGenetics, part of Exact Sciences
Classification: Likely benign for TGFBR3-related condition. Last evaluated: 2019-03-13. Review status: no assertion criteria provided. Collection method: clinical testing. Allele origin: germline. Not counted in ClinVar's aggregate classification.
Comment: This variant is classified as likely benign based on ACMG/AMP sequence variant interpretation guidelines (Richards et al. 2015 PMID: 25741868, with internal and published modifications).

NM_003243.5(TGFBR3):c.1076-16CTT[2]

Gene: TGFBR3 (transforming growth factor beta receptor 3; minus strand). Cytogenetic location: 1p22.1.
Variant type: Microsatellite.
Coding change: c.1076-16CTT[2] on transcript NM_003243.5 (MANE Select); two copies in a row of the 3-base unit CTT starting at c.1076-16; the reference has three copies in a row; one copy, 3 bases deleted.
Molecular consequence: intron variant.
Genome position (GRCh38, 1-based): chr1:91,720,238-91,720,240, AAG deleted on the plus strand (CTT on the coding strand, the reverse complement: TGFBR3 is on the minus strand); deleting any 3 consecutive bases within chr1:91,720,238-91,720,246 gives the same sequence; the position shown is the placement nearest the transcript's 3' end. VCF-style (leftmost placement, unchanged base first): chr1-91720237-AAAG-A. GRCh37 (hg19) VCF-style: chr1-92185794-AAAG-A.
Other names: c.1076-10_1076-8delCTT (NM_003243.4); c.1076-19CTT[2] (NM_001195684.1, NM_001195683.2).
Identifiers: ClinVar variation 547817 (VCV000547817.3), dbSNP rs565379527, ClinGen allele CA947884.
Genomic context (GRCh38, chr1:91,720,237, plus strand): 5'-GGATCCGTAGCTCAGGAGGAATAGTGTGGACTTCCTCATCTCCCATCTCCTCTGCTGGTG[AAAG>A]AAGAAGGCAAAACATCAGCAGTGTTTGATGCCAGGCCACAACCAACATCATTACAGGCAG-3'